The following is an entry in ClinVar:

ClinVar aggregate classification (germline): Pathogenic (0 of 4 stars; one submission).

Conditions:
Pyruvate dehydrogenase E1-alpha deficiency (PDHAD). Also called: ATAXIA, INTERMITTENT, WITH PYRUVATE DEHYDROGENASE DEFICIENCY; ATAXIA WITH LACTIC ACIDOSIS I; ATAXIA, INTERMITTENT, WITH ABNORMAL PYRUVATE METABOLISM; Ataxia, intermittent, with pyruvate dehydrogenase, or decarboxylase, deficiency. Identifiers: Orphanet 79243, MedGen C1839413, MONDO:0010717, OMIM 312170.

Submission:

PDHA1 Study Group, University Children’s Hospital, Paracelsus Medical University
Classification: Pathogenic for Pyruvate dehydrogenase E1-alpha deficiency. Last evaluated: 2024-10-15. Review status: no assertion criteria provided. Collection method: research. Allele origin: de novo. Affected: yes. Observed: 4 variant alleles.
Comment: The NM_000284.3:c.302G>T (p.Cys101Phe) substitution is a missense variant in PDHA1 gene. In total, 4 individuals were diagnosed with PDHA1-related Pyruvate dehydrogenase complex (PDHc) deficiency (MIM #312170). These include 1 male and 3 females. Among them, 2 cases had confirmed de novo occurrence. The variant has been reported in 3 published cases (PMIDs: 12163191, 18692904, 21914562, 25356417). Last literature search: July 12, 2024. This variant is absent or extremely rare in population-based cohorts in the Genome Aggregation Database (gnomAD). Individuals harboring this variant presented with clinical features compatible with PDHA1-related PDHc deficiency. In summary, this variant meets criteria to be classified as pathogenic (P) for PDHA1-related PDHc deficiency based on the ACMG/AMP criteria applied: PS3, PM1, PM2, PM7, PP3 (last assessment October 15, 2024).

Literature cited by the submitters: PubMed 12163191; PubMed 18692904; PubMed 21914562; PubMed 25356417; DOI 10.1093/brain/awaf430.

NM_000284.4(PDHA1):c.302G>T (p.Cys101Phe)

Gene: PDHA1 (pyruvate dehydrogenase E1 subunit alpha 1; plus strand). Cytogenetic location: Xp22.12.
Variant type: single nucleotide variant.
Coding change: c.302G>T on transcript NM_000284.4 (MANE Select); coding-DNA position 302, G replaced by T.
Protein change: p.Cys101Phe; replaces cysteine 101 with phenylalanine.
Molecular consequence: missense variant.
Genome position (GRCh38, 1-based): chrX:19,351,291, G>T. VCF-style: chrX-19351291-G-T. GRCh37 (hg19) VCF-style: chrX-19369409-G-T.
Other names: c.416G>T, p.Cys139Phe (NM_001173454.2); c.323G>T, p.Cys108Phe (NM_001173455.2); c.302G>T, p.Cys101Phe (NM_001173456.2); short protein forms C101F, C108F, C139F.
Identifiers: ClinVar variation 4070452 (VCV004070452.1).